The following is an entry in ClinVar:

NM_030962.4(SBF2):c.1762C>T (p.Leu588Phe)

Gene: SBF2 (SET binding factor 2; minus strand). Cytogenetic location: 11p15.4.
Variant type: single nucleotide variant.
Coding change: c.1762C>T on transcript NM_030962.4 (MANE Select); coding-DNA position 1762, C replaced by T.
Protein change: p.Leu588Phe; replaces leucine 588 with phenylalanine.
Molecular consequence: missense variant.
Genome position (GRCh38, 1-based): chr11:9,962,055, G>A on the plus strand (C>T on the coding strand, the complement: SBF2 is on the minus strand). VCF-style: chr11-9962055-G-A. GRCh37 (hg19) VCF-style: chr11-9983602-G-A.
Other names: c.1762C>T, p.Leu588Phe (NM_001386339.1); c.1633C>T, p.Leu545Phe (NM_001386342.1); c.1798C>T, p.Leu600Phe (NM_001424318.1); short protein forms L545F, L588F, L600F.
Identifiers: ClinVar variation 2629398 (VCV002629398.1), dbSNP rs753815752, ClinGen allele CA5881750.

ClinVar aggregate classification (germline): Uncertain significance (1 of 4 stars; one submission).

Conditions:
SBF2-related disorder. Also called: SBF2-related condition.

Allele frequency attached by ClinVar (database versions not stated): ExAC 0.00001; gnomAD 0.00001; gnomAD exomes 0.00002; TOPMed 0.00002.
gnomAD v4.1: 13 of 1,613,982 alleles (0.00081%); highest among the groups gnomAD compares: Admixed American, 0.0017%; no homozygotes.

Submission:

PreventionGenetics, part of Exact Sciences
Classification: Uncertain significance for SBF2-related condition. Last evaluated: 2023-08-04. Review status: criteria provided, single submitter. Criteria: ACMG Guidelines, 2015. Collection method: clinical testing. Allele origin: germline.
Comment: The SBF2 c.1762C>T variant is predicted to result in the amino acid substitution p.Leu588Phe. To our knowledge, this variant has not been reported in the literature. This variant is reported in 0.016% of alleles in individuals of European (Finnish) descent in gnomAD. At this time, the clinical significance of this variant is uncertain due to the absence of conclusive functional and genetic evidence.